The following is an entry in ClinVar:

NM_003640.5(ELP1):c.1925C>A (p.Thr642Lys)

Gene: ELP1 (elongator acetyltransferase complex subunit 1; minus strand). Cytogenetic location: 9q31.3.
Variant type: single nucleotide variant.
Coding change: c.1925C>A on transcript NM_003640.5 (MANE Select); coding-DNA position 1925, C replaced by A.
Protein change: p.Thr642Lys; replaces threonine 642 with lysine.
Molecular consequence: missense variant.
Genome position (GRCh38, 1-based): chr9:108,901,514, G>T on the plus strand (C>A on the coding strand, the complement: ELP1 is on the minus strand). VCF-style: chr9-108901514-G-T. GRCh37 (hg19) VCF-style: chr9-111663794-G-T.
Other names: c.1583C>A, p.Thr528Lys (NM_001318360.2); c.878C>A, p.Thr293Lys (NM_001330749.2); short protein forms T528K, T293K, T642K.
Identifiers: ClinVar variation 859111 (VCV000859111.6), dbSNP rs377020122, ClinGen allele CA5174833.

ClinVar aggregate classification (germline): Uncertain significance. Review status: criteria provided, single submitter (1 of 4 stars). 2 submissions from 2 submitters: Uncertain significance (1). 1 of the submissions does not count toward it. Last evaluated 2021-08-27.

Conditions:
Familial dysautonomia. Also called: HSAN III; FD. Identifiers: Orphanet 1764, MedGen C0013364, MONDO:0009131, OMIM 223900. Disease mechanism: loss of function.

gnomAD v4.1: 10 of 1,613,790 alleles (0.00062%); highest among the groups gnomAD compares: South Asian, 0.011%; no homozygotes.

Submissions (2):

Labcorp Genetics (formerly Invitae), Labcorp
Classification: Uncertain significance. Last evaluated: 2021-08-27. Review status: criteria provided, single submitter. Criteria: Invitae Variant Classification Sherloc (09022015). Collection method: clinical testing. Allele origin: germline.
Comment: This sequence change replaces threonine with lysine at codon 642 of the ELP1 protein (p.Thr642Lys). The threonine residue is moderately conserved and there is a moderate physicochemical difference between threonine and lysine. This variant is present in population databases (rs377020122, ExAC 0.006%). This variant has not been reported in the literature in individuals affected with ELP1-related conditions. Algorithms developed to predict the effect of missense changes on protein structure and function are either unavailable or do not agree on the potential impact of this missense change (SIFT: "Deleterious"; PolyPhen-2: "Possibly Damaging"; Align-GVGD: "Class C0"). In summary, the available evidence is currently insufficient to determine the role of this variant in disease. Therefore, it has been classified as a Variant of Uncertain Significance.

Natera, Inc.
Classification: Uncertain significance for Hereditary sensory and autonomic neuropathy type III. Last evaluated: 2020-01-24. Review status: no assertion criteria provided. Collection method: clinical testing. Allele origin: germline. Not counted in ClinVar's aggregate classification.